The following is an entry in ClinVar:

ClinVar aggregate classification (germline): Uncertain significance. Review status: criteria provided, multiple submitters, no conflicts (2 of 4 stars). 2 submissions from 2 submitters: Uncertain significance (2). Last evaluated 2023-08-14.

Conditions:
Familial cold autoinflammatory syndrome 2 (FCAS2). Identifiers: Orphanet 247868, MedGen C2673198, MONDO:0012724, OMIM 611762.

Allele frequency attached by ClinVar (database versions not stated): gnomAD exomes below 0.00001; TOPMed below 0.00001; gnomAD 0.00001.
gnomAD v4.1: 3 of 1,614,036 alleles (0.00019%); highest among the groups gnomAD compares: Non-Finnish European, 0.00017%; no homozygotes.

Submissions (2):

Labcorp Genetics (formerly Invitae), Labcorp
Classification: Uncertain significance for Familial cold autoinflammatory syndrome 2. Last evaluated: 2023-08-14. Review status: criteria provided, single submitter. Criteria: Invitae Variant Classification Sherloc (09022015). Collection method: clinical testing. Allele origin: germline.
Comment: This sequence change replaces threonine, which is neutral and polar, with serine, which is neutral and polar, at codon 399 of the NLRP12 protein (p.Thr399Ser). This variant is present in population databases (no rsID available, gnomAD 0.003%). This variant has not been reported in the literature in individuals affected with NLRP12-related conditions. ClinVar contains an entry for this variant (Variation ID: 1879453). Advanced modeling of protein sequence and biophysical properties (such as structural, functional, and spatial information, amino acid conservation, physicochemical variation, residue mobility, and thermodynamic stability) performed at Invitae indicates that this missense variant is not expected to disrupt NLRP12 protein function. In summary, the available evidence is currently insufficient to determine the role of this variant in disease. Therefore, it has been classified as a Variant of Uncertain Significance.

CeGaT Center for Human Genetics Tuebingen
Classification: Uncertain significance. Last evaluated: 2022-11-01. Review status: criteria provided, single submitter. Criteria: CeGaT Center For Human Genetics Tuebingen Variant Classification Criteria Version 2. Collection method: clinical testing. Allele origin: germline. Affected: yes. Observed: 1 variant allele.
Comment: NLRP12: PM2, BP4

NM_144687.4(NLRP12):c.1196C>G (p.Thr399Ser)

Gene: NLRP12 (NLR family pyrin domain containing 12; minus strand). Cytogenetic location: 19q13.42.
Variant type: single nucleotide variant.
Coding change: c.1196C>G on transcript NM_144687.4 (MANE Select); coding-DNA position 1196, C replaced by G.
Protein change: p.Thr399Ser; replaces threonine 399 with serine.
Molecular consequence: missense variant.
Genome position (GRCh38, 1-based): chr19:53,810,463, G>C on the plus strand (C>G on the coding strand, the complement: NLRP12 is on the minus strand). VCF-style: chr19-53810463-G-C. GRCh37 (hg19) VCF-style: chr19-54313717-G-C.
Other names: c.1196C>G, p.Thr399Ser (NM_001277126.2, NM_001277129.1); short protein forms T399S.
Identifiers: ClinVar variation 1879453 (VCV001879453.32), dbSNP rs1207888560, ClinGen allele CA407414028.